The following is an entry in ClinVar:

NM_080860.4(RSPH1):c.365+1del

Gene: RSPH1 (radial spoke head component 1; minus strand). Cytogenetic location: 21q22.3.
Variant type: Deletion.
Coding change: c.365+1del on transcript NM_080860.4 (MANE Select); the canonical splice donor site of the intron after coding-DNA position 365, one base deleted (G; older notation c.365+1delG).
Molecular consequence: splice donor variant.
Genome position (GRCh38, 1-based): chr21:42,486,370, C deleted on the plus strand (G on the coding strand, the reverse complement: RSPH1 is on the minus strand); the first of 2 consecutive C bases (chr21:42,486,370-42,486,371); deleting either gives the same sequence. VCF-style (leftmost placement, unchanged base first): chr21-42486369-AC-A. GRCh37 (hg19) VCF-style: chr21-43906479-AC-A.
Other names: c.251+1del (NM_001286506.2).
Identifiers: ClinVar variation 4880660 (VCV004880660.2).

ClinVar aggregate classification (germline): Likely pathogenic (1 of 4 stars; one submission).

Submission:

Dasa
Classification: Likely pathogenic. Last evaluated: 2025-11-04. Review status: criteria provided, single submitter. Criteria: DASA Assertion Criteria. Collection method: clinical testing. Allele origin: germline.
Comment: NM_080860.4(RSPH1):c.365+1del affects a canonical splice site and is predicted to disrupt normal RNA splicing. Loss of function is an established disease mechanism for RSPH1-associated disorders. Also, this variant is absent from population databases. Based on the currently available evidence, this variant is classified as likely pathogenic.